The following is an entry in ClinVar:

NM_001110556.2(FLNA):c.1692-3C>T

Gene: FLNA (filamin A; minus strand). Cytogenetic location: Xq28.
Variant type: single nucleotide variant.
Coding change: c.1692-3C>T on transcript NM_001110556.2 (MANE Select); 3 bases into the intron before coding-DNA position 1692, C replaced by T.
Molecular consequence: intron variant.
Genome position (GRCh38, 1-based): chrX:154,364,960, G>A on the plus strand (C>T on the coding strand, the complement: FLNA is on the minus strand). VCF-style: chrX-154364960-G-A. GRCh37 (hg19) VCF-style: chrX-153593328-G-A.
Other names: c.1692-3C>T (NM_001456.3, NM_001456.4).
Identifiers: ClinVar variation 1005239 (VCV001005239.12), dbSNP rs781904011, ClinGen allele CA10561097.

ClinVar aggregate classification (germline): Conflicting classifications of pathogenicity. Review status: criteria provided, conflicting classifications (1 of 4 stars). 4 submissions from 4 submitters: Uncertain significance (2); Likely benign (2). Last evaluated 2025-11-21.

Conditions:
Familial thoracic aortic aneurysm and aortic dissection (TAAD). Also called: Thoracic aortic aneurysms and dissections. Identifiers: Orphanet 91387, MedGen C4707243, MONDO:0019625.
Oto-palato-digital syndrome, type II (OPD2). Also called: FACIOPALATOOSSEOUS SYNDROME; OPD II SYNDROME; Otopalatodigital Syndrome, Type II; Otopalatodigital Syndrome Type 2 (FLNA-OPD2). Identifiers: Orphanet 669, Orphanet 90652, MedGen C1844696, MONDO:0010571, OMIM 304120.
Heterotopia, periventricular, X-linked dominant (PVNH1). Also called: X-linked periventricular heterotopia; PERIVENTRICULAR NODULAR HETEROTOPIA 4; HETEROTOPIA, PERIVENTRICULAR, 1; PERIVENTRICULAR NODULAR HETEROTOPIA 1. Identifiers: Orphanet 2149, Orphanet 82004, MedGen C1848213, MONDO:0010233, OMIM 300049.
Melnick-Needles syndrome (MNS). Also called: MELNICK-NEEDLES OSTEODYSPLASTY; OSTEODYSPLASTY OF MELNICK AND NEEDLES; Melnick-Needles Syndrome (FLNA-MNS). Identifiers: Orphanet 2484, MedGen C0025237, MONDO:0010650, OMIM 309350.
Frontometaphyseal dysplasia (FMD1). Identifiers: Orphanet 1826, MedGen C0265293, MONDO:0015942.

Allele frequency attached by ClinVar (database versions not stated): ExAC 0.00001; gnomAD 0.00001; gnomAD exomes 0.00003.
gnomAD v4.1: 28 of 1,209,836 alleles (0.0023%); highest among the groups gnomAD compares: South Asian, 0.026%; no homozygotes.

Submissions (4):

Labcorp Genetics (formerly Invitae), Labcorp
Classification: Uncertain significance for Oto-palato-digital syndrome, type II; Heterotopia, periventricular, X-linked dominant; Frontometaphyseal dysplasia; Melnick-Needles syndrome. Last evaluated: 2025-11-21. Review status: criteria provided, single submitter. Criteria: Invitae Variant Classification Sherloc (09022015). Collection method: clinical testing. Allele origin: germline.
Comment: This sequence change falls in intron 11 of the FLNA gene. It does not directly change the encoded amino acid sequence of the FLNA protein. It affects a nucleotide within the consensus splice site. This variant is present in population databases (rs781904011, gnomAD 0.02%). This variant has not been reported in the literature in individuals affected with FLNA-related conditions. ClinVar contains an entry for this variant (Variation ID: 1005239). Variants that disrupt the consensus splice site are a relatively common cause of aberrant splicing (PMID: 17576681, 9536098). Algorithms developed to predict the effect of sequence changes on RNA splicing suggest that this variant is not likely to affect RNA splicing. In summary, the available evidence is currently insufficient to determine the role of this variant in disease. Therefore, it has been classified as a Variant of Uncertain Significance.

Ambry Genetics
Classification: Likely benign for Familial thoracic aortic aneurysm and aortic dissection. Last evaluated: 2025-08-28. Review status: criteria provided, single submitter. Criteria: Ambry Variant Classification Scheme 2023. Collection method: clinical testing. Allele origin: germline.

Women's Health and Genetics/Laboratory Corporation of America, LabCorp
Classification: Uncertain significance. Last evaluated: 2025-07-08. Review status: criteria provided, single submitter. Criteria: LabCorp Variant Classification Summary - May 2015. Collection method: clinical testing. Allele origin: germline.
Comment: Variant summary: FLNA c.1692-3C>T alters a non-conserved nucleotide located close to a canonical splice site and therefore could affect mRNA splicing, leading to a significantly altered protein sequence. Consensus agreement among computation tools predict no significant impact on normal splicing. However, these predictions have yet to be confirmed by functional studies. The variant allele was found at a frequency of 2.8e-05 in 181233 control chromosomes. The available data on variant occurrences in the general population are insufficient to allow any conclusion about variant significance. To our knowledge, no occurrence of c.1692-3C>T in individuals affected with Periventricular Nodular Heterotopia 1 and no experimental evidence demonstrating its impact on protein function have been reported. ClinVar contains an entry for this variant (Variation ID: 1005239). Based on the evidence outlined above, the variant was classified as uncertain significance.

Blueprint Genetics
Classification: Likely benign. Last evaluated: 2022-03-10. Review status: criteria provided, single submitter. Criteria: ACMG Guidelines, 2015. Collection method: clinical testing. Allele origin: germline.

Literature cited by the submitters: PubMed 17576681 (cited by Labcorp Genetics (formerly Invitae), Labcorp); PubMed 9536098 (cited by Labcorp Genetics (formerly Invitae), Labcorp).